The following is an entry in ClinVar:

NM_006939.4(SOS2):c.1599C>A (p.Asn533Lys)

Gene: SOS2 (SOS Ras/Rho guanine nucleotide exchange factor 2; minus strand). Cytogenetic location: 14q21.3.
Variant type: single nucleotide variant.
Coding change: c.1599C>A on transcript NM_006939.4 (MANE Select); coding-DNA position 1599, C replaced by A.
Protein change: p.Asn533Lys; replaces asparagine 533 with lysine.
Molecular consequence: missense variant.
Genome position (GRCh38, 1-based): chr14:50,159,684, G>T on the plus strand (C>A on the coding strand, the complement: SOS2 is on the minus strand). VCF-style: chr14-50159684-G-T. GRCh37 (hg19) VCF-style: chr14-50626402-G-T.
Other names: short protein forms N533K.
Identifiers: ClinVar variation 1445458 (VCV001445458.9), dbSNP rs1484591662, ClinGen allele CA389645401.
Genomic context (GRCh38, chr14:50,159,684, plus strand): 5'-ATCTAACATTCGATCTAGAGTACTACGATAATGAAGAGAAATAAGGGCTGCCATCCAGTT[G>T]TTTTTTTCTTCAGCAGACTTAGCAGCAAATATTATGCTGTTCTCATCTTTGGATACTAAT-3'
Protein context (NP_008870.2, residues 523-543): IFAAKSAEEK[Asn533Lys]NWMAALISLH

ClinVar aggregate classification (germline): Uncertain significance (1 of 4 stars; one submission).

Conditions:
Noonan syndrome 9 (NS9). Identifiers: Orphanet 648, MedGen C4225282, MONDO:0014691, OMIM 616559.

Allele frequency attached by ClinVar (database versions not stated): TOPMed below 0.00001.
gnomAD v4.1: 6 of 1,613,872 alleles (0.00037%); highest among the groups gnomAD compares: Middle Eastern, 0.017%; no homozygotes.

Submission:

Labcorp Genetics (formerly Invitae), Labcorp
Classification: Uncertain significance for Noonan syndrome 9. Last evaluated: 2026-01-02. Review status: criteria provided, single submitter. Criteria: Invitae Variant Classification Sherloc (09022015). Collection method: clinical testing. Allele origin: germline.
Comment: This sequence change replaces asparagine, which is neutral and polar, with lysine, which is basic and polar, at codon 533 of the SOS2 protein (p.Asn533Lys). This variant is not present in population databases (gnomAD no frequency). This variant has not been reported in the literature in individuals affected with SOS2-related conditions. ClinVar contains an entry for this variant (Variation ID: 1445458). Invitae Evidence Modeling of protein sequence and biophysical properties (such as structural, functional, and spatial information, amino acid conservation, physicochemical variation, residue mobility, and thermodynamic stability) indicates that this missense variant is not expected to disrupt SOS2 protein function with a negative predictive value of 95%. In summary, the available evidence is currently insufficient to determine the role of this variant in disease. Therefore, it has been classified as a Variant of Uncertain Significance.